The following is an entry in ClinVar:

NM_004186.5(SEMA3F):c.10G>A (p.Ala4Thr)

Gene: SEMA3F (semaphorin 3F; plus strand). Cytogenetic location: 3p21.31.
Variant type: single nucleotide variant.
Coding change: c.10G>A on transcript NM_004186.5 (MANE Select); coding-DNA position 10, G replaced by A.
Protein change: p.Ala4Thr; replaces alanine 4 with threonine.
Molecular consequence: missense variant. On other transcripts: intron variant (1).
Genome position (GRCh38, 1-based): chr3:50,159,632, G>A. VCF-style: chr3-50159632-G-A. GRCh37 (hg19) VCF-style: chr3-50197065-G-A.
Other names: c.10G>A (NM_004186.4); c.10G>A, p.Ala4Thr (NM_001318800.2); c.-135-60G>A (NM_001318798.2); short protein forms A4T.
Identifiers: ClinVar variation 2367544 (VCV002367544.27), dbSNP rs372829300, ClinGen allele CA2411594.

ClinVar aggregate classification (germline): Conflicting classifications of pathogenicity. Review status: criteria provided, conflicting classifications (1 of 4 stars). 3 submissions from 3 submitters: Uncertain significance (2); Likely benign (1). Last evaluated 2026-03-11.

Conditions:
SEMA3F-related disorder. Also called: SEMA3F-related condition.

Allele frequency attached by ClinVar (database versions not stated): gnomAD 0.00007; TOPMed 0.00007; ESP Exome Variant Server 0.00008; ExAC 0.00012; 1000 Genomes Project 30x 0.00016; 1000 Genomes Project 0.00020.
gnomAD v4.1: 59 of 1,608,190 alleles (0.0037%); highest among the groups gnomAD compares: Middle Eastern, 0.017%; no homozygotes.

Submissions (3):

PreventionGenetics, part of Exact Sciences
Classification: Uncertain significance for SEMA3F-related condition. Last evaluated: 2026-03-11. Review status: criteria provided, single submitter. Criteria: ACMG Guidelines, 2015. Collection method: clinical testing. Allele origin: germline.
Comment: The SEMA3F c.10G>A variant is predicted to result in the amino acid substitution p.Ala4Thr. To our knowledge, this variant has not been reported in the literature. This variant is reported in 0.013% of alleles in individuals of European (Non-Finnish) descent in gnomAD. At this time, the clinical significance of this variant is uncertain due to the absence of conclusive functional and genetic evidence.

CeGaT Center for Human Genetics Tuebingen
Classification: Likely benign. Last evaluated: 2023-03-01. Review status: criteria provided, single submitter. Criteria: CeGaT Center For Human Genetics Tuebingen Variant Classification Criteria Version 2. Collection method: clinical testing. Allele origin: germline. Affected: yes. Observed: 1 variant allele.
Comment: SEMA3F: BP4

Ambry Genetics
Classification: Uncertain significance. Last evaluated: 2021-10-05. Review status: criteria provided, single submitter. Criteria: Ambry Variant Classification Scheme 2023. Collection method: clinical testing. Allele origin: germline.